The following is an entry in ClinVar:

NM_025179.4(PLXNA2):c.870C>T (p.Phe290=)

Gene: PLXNA2 (plexin A2; minus strand). Cytogenetic location: 1q32.2.
Variant type: single nucleotide variant.
Coding change: c.870C>T on transcript NM_025179.4 (MANE Select); coding-DNA position 870, C replaced by T.
Protein change: p.Phe290=; no amino-acid change (phenylalanine 290 retained).
Molecular consequence: synonymous variant.
Genome position (GRCh38, 1-based): chr1:208,217,053, G>A on the plus strand (C>T on the coding strand, the complement: PLXNA2 is on the minus strand). VCF-style: chr1-208217053-G-A. GRCh37 (hg19) VCF-style: chr1-208390398-G-A.
Identifiers: ClinVar variation 5002538 (VCV005002538.1).

ClinVar aggregate classification (germline): Likely benign (1 of 4 stars; one submission).

Conditions:
PLXNA2-related disorder. Also called: PLXNA2-related condition.

gnomAD v4.1: 10 of 1,613,400 alleles (0.00062%); highest among the groups gnomAD compares: Non-Finnish European, 0.00085%; no homozygotes.

Submission:

PreventionGenetics, part of Exact Sciences
Classification: Likely benign for PLXNA2-related condition. Last evaluated: 2026-05-17. Review status: criteria provided, single submitter. Criteria: ACMG Guidelines, 2015. Collection method: clinical testing. Allele origin: germline.
Comment: This variant is classified as likely benign based on ACMG/AMP sequence variant interpretation guidelines (Richards et al. 2015 PMID: 25741868, with internal and published modifications).